The following is an entry in ClinVar:

ClinVar aggregate classification (germline): Uncertain significance (1 of 4 stars; one submission).

Submission:

Labcorp Genetics (formerly Invitae), Labcorp
Classification: Uncertain significance. Last evaluated: 2024-06-17. Review status: criteria provided, single submitter. Criteria: Invitae Variant Classification Sherloc (09022015). Collection method: clinical testing. Allele origin: germline.
Comment: This sequence change replaces phenylalanine, which is neutral and non-polar, with tyrosine, which is neutral and polar, at codon 215 of the ENPP1 protein (p.Phe215Tyr). This variant is not present in population databases (gnomAD no frequency). This variant has not been reported in the literature in individuals affected with ENPP1-related conditions. Advanced modeling of protein sequence and biophysical properties (such as structural, functional, and spatial information, amino acid conservation, physicochemical variation, residue mobility, and thermodynamic stability) performed at Invitae indicates that this missense variant is expected to disrupt ENPP1 protein function with a positive predictive value of 80%. In summary, the available evidence is currently insufficient to determine the role of this variant in disease. Therefore, it has been classified as a Variant of Uncertain Significance.

NM_006208.3(ENPP1):c.644T>A (p.Phe215Tyr)

Gene: ENPP1 (ectonucleotide pyrophosphatase/phosphodiesterase 1; plus strand). Cytogenetic location: 6q23.2.
Variant type: single nucleotide variant.
Coding change: c.644T>A on transcript NM_006208.3 (MANE Select); coding-DNA position 644, T replaced by A.
Protein change: p.Phe215Tyr; replaces phenylalanine 215 with tyrosine.
Molecular consequence: missense variant.
Genome position (GRCh38, 1-based): chr6:131,854,952, T>A. VCF-style: chr6-131854952-T-A. GRCh37 (hg19) VCF-style: chr6-132176092-T-A.
Other names: short protein forms F215Y.
Identifiers: ClinVar variation 3654797 (VCV003654797.2).
Genomic context (GRCh38, chr6:131,854,952, plus strand): 5'-CTTTAAACATTTTTTTTTCTTTTTCATTACCCAGGTTTGAAACGCCTCCTACCCTCTTAT[T>A]TTCTTTGGATGGATTCAGGGCAGAATATTTACACACTTGGGGTGGACTTCTTCCTGTTAT-3'
Protein context (NP_006199.2, residues 205-225): AGFETPPTLL[Phe215Tyr]SLDGFRAEYL